The following is an entry in ClinVar:

ClinVar aggregate classification (germline): Conflicting classifications of pathogenicity. Review status: criteria provided, conflicting classifications (1 of 4 stars). 2 submissions from 2 submitters: Uncertain significance (1); Likely benign (1). Last evaluated 2024-03-14.

Conditions:
Primary ciliary dyskinesia. Also called: Ciliary dyskinesia. Identifiers: Orphanet 244, MedGen C0008780, MONDO:0016575, HP:0012265.

Allele frequency attached by ClinVar (database versions not stated): ExAC 0.00070; 1000 Genomes Project 0.00080; 1000 Genomes Project 30x 0.00094; TOPMed 0.00112; gnomAD 0.00113; ESP Exome Variant Server 0.00134; gnomAD exomes 0.00138.
gnomAD v4.1: 2,163 of 1,613,954 alleles (0.13%); highest among the groups gnomAD compares: Admixed American, 0.2%; 3 homozygotes.

Submissions (2):

Molecular Genetics McLendon Clinical Laboratories, University of North Carolina at Chapel Hill
Classification: Uncertain significance for Primary ciliary dyskinesia. Last evaluated: 2024-03-14. Review status: criteria provided, single submitter. Criteria: ACMG Guidelines, 2015. Collection method: clinical testing. Allele origin: germline.

CeGaT Center for Human Genetics Tuebingen
Classification: Likely benign. Last evaluated: 2024-01-01. Review status: criteria provided, single submitter. Criteria: CeGaT Center For Human Genetics Tuebingen Variant Classification Criteria Version 2. Collection method: clinical testing. Allele origin: germline. Affected: yes. Observed: 1 variant allele.
Comment: DNAH17: BS2

NM_173628.4(DNAH17):c.3434C>T (p.Pro1145Leu)

Gene: DNAH17 (dynein axonemal heavy chain 17; minus strand). Cytogenetic location: 17q25.3.
Variant type: single nucleotide variant.
Coding change: c.3434C>T on transcript NM_173628.4 (MANE Select); coding-DNA position 3434, C replaced by T.
Protein change: p.Pro1145Leu; replaces proline 1145 with leucine.
Molecular consequence: missense variant.
Genome position (GRCh38, 1-based): chr17:78,529,545, G>A on the plus strand (C>T on the coding strand, the complement: DNAH17 is on the minus strand). VCF-style: chr17-78529545-G-A. GRCh37 (hg19) VCF-style: chr17-76525627-G-A.
Other names: c.3434C>T (NM_173628.3); short protein forms P1145L.
Identifiers: ClinVar variation 3024780 (VCV003024780.23), dbSNP rs201764607, ClinGen allele CA8804215.